The following is an entry in ClinVar:

NM_016222.4(DDX41):c.139C>T (p.Leu47Phe)

Gene: DDX41 (DEAD-box helicase 41; minus strand). Cytogenetic location: 5q35.3.
Variant type: single nucleotide variant.
Coding change: c.139C>T on transcript NM_016222.4 (MANE Select); coding-DNA position 139, C replaced by T.
Protein change: p.Leu47Phe; replaces leucine 47 with phenylalanine.
Molecular consequence: missense variant. On other transcripts: 5 prime UTR variant (2).
Genome position (GRCh38, 1-based): chr5:177,516,447, G>A on the plus strand (C>T on the coding strand, the complement: DDX41 is on the minus strand). VCF-style: chr5-177516447-G-A. GRCh37 (hg19) VCF-style: chr5-176943448-G-A.
Other names: c.-240C>T (NM_001321732.2, NM_001321830.2); c.139C>T (NM_016222.2); short protein forms L47F.
Identifiers: ClinVar variation 3000236 (VCV003000236.4), dbSNP rs1316833419, ClinGen allele CA362377550.

ClinVar aggregate classification (germline): Uncertain significance. Review status: criteria provided, multiple submitters, no conflicts (2 of 4 stars). 2 submissions from 2 submitters: Uncertain significance (2). Last evaluated 2025-03-31.

Conditions:
Inborn genetic diseases. Identifiers: MedGen C0950123, MeSH D030342.

Allele frequency attached by ClinVar (database versions not stated): gnomAD 0.00001; TOPMed 0.00001; gnomAD exomes below 0.00001.

Submissions (2):

Ambry Genetics
Classification: Uncertain significance for Inborn genetic diseases. Last evaluated: 2025-03-31. Review status: criteria provided, single submitter. Criteria: Ambry Variant Classification Scheme 2023. Collection method: clinical testing. Allele origin: germline.
Comment: The p.L47F variant (also known as c.139C>T) is located in coding exon 3 of the DDX41 gene. The leucine at codon 47 is replaced by phenylalanine, an amino acid with highly similar properties. This change occurs in the first base pair of coding exon 3. This amino acid position is well conserved in available vertebrate species. In addition, this alteration is predicted to be tolerated by in silico analysis. Based on the available evidence, the clinical significance of this variant remains unclear.

Labcorp Genetics (formerly Invitae), Labcorp
Classification: Uncertain significance. Last evaluated: 2025-03-23. Review status: criteria provided, single submitter. Criteria: Invitae Variant Classification Sherloc (09022015). Collection method: clinical testing. Allele origin: germline.
Comment: This sequence change replaces leucine, which is neutral and non-polar, with phenylalanine, which is neutral and non-polar, at codon 47 of the DDX41 protein (p.Leu47Phe). This variant is present in population databases (no rsID available, gnomAD 0.02%). This variant has not been reported in the literature in individuals affected with DDX41-related conditions. ClinVar contains an entry for this variant (Variation ID: 3000236). An algorithm developed to predict the effect of missense changes on protein structure and function (PolyPhen-2) suggests that this variant is likely to be tolerated. In summary, the available evidence is currently insufficient to determine the role of this variant in disease. Therefore, it has been classified as a Variant of Uncertain Significance.